The following is an entry in ClinVar:

NM_213599.3(ANO5):c.950C>A (p.Ala317Glu)

Gene: ANO5 (anoctamin 5; plus strand). Cytogenetic location: 11p14.3.
Variant type: single nucleotide variant.
Coding change: c.950C>A on transcript NM_213599.3 (MANE Select); coding-DNA position 950, C replaced by A.
Protein change: p.Ala317Glu; replaces alanine 317 with glutamic acid.
Molecular consequence: missense variant.
Genome position (GRCh38, 1-based): chr11:22,250,308, C>A. VCF-style: chr11-22250308-C-A. GRCh37 (hg19) VCF-style: chr11-22271854-C-A.
Other names: c.947C>A, p.Ala316Glu (NM_001142649.2); c.908C>A, p.Ala303Glu (NM_001410963.1); c.905C>A, p.Ala302Glu (NM_001410964.1); short protein forms A303E, A316E, A302E, A317E.
Identifiers: ClinVar variation 2052803 (VCV002052803.5), dbSNP rs757146037, ClinGen allele CA5923078.

ClinVar aggregate classification (germline): Uncertain significance. Review status: criteria provided, multiple submitters, no conflicts (2 of 4 stars). 2 submissions from 2 submitters: Uncertain significance (2). Last evaluated 2025-06-23.

Conditions:
Gnathodiaphyseal dysplasia (GDD). Also called: GNATHODIAPHYSEAL SCLEROSIS; OSTEOGENESIS IMPERFECTA WITH UNUSUAL SKELETAL LESIONS. Identifiers: Orphanet 53697, MedGen C1833736, MONDO:0008151, OMIM 166260.
Autosomal recessive limb-girdle muscular dystrophy type 2L (LGMDR12). Also called: MUSCULAR DYSTROPHY, LIMB-GIRDLE, AUTOSOMAL RECESSIVE 12; Limb-girdle muscular dystrophy, type 2L; Limb-Girdle Muscular Dystrophy R12 Anoctamin-5-Related (LGMD-R12). Identifiers: Orphanet 206549, MedGen C1969785, MONDO:0012652, OMIM 611307.

Allele frequency attached by ClinVar (database versions not stated): gnomAD exomes below 0.00001; gnomAD 0.00001; TOPMed 0.00001; ExAC 0.00004.
gnomAD v4.1: 7 of 1,612,426 alleles (0.00043%); highest among the groups gnomAD compares: Admixed American, 0.012%; no homozygotes.

Submissions (2):

Labcorp Genetics (formerly Invitae), Labcorp
Classification: Uncertain significance for Autosomal recessive limb-girdle muscular dystrophy type 2L; Gnathodiaphyseal dysplasia. Last evaluated: 2025-06-23. Review status: criteria provided, single submitter. Criteria: Invitae Variant Classification Sherloc (09022015). Collection method: clinical testing. Allele origin: germline.
Comment: This sequence change replaces alanine, which is neutral and non-polar, with glutamic acid, which is acidic and polar, at codon 317 of the ANO5 protein (p.Ala317Glu). This variant is present in population databases (rs757146037, gnomAD 0.02%). This missense change has been observed in individual(s) with ANO5-related conditions (PMID: 32367299). ClinVar contains an entry for this variant (Variation ID: 2052803). Invitae Evidence Modeling of protein sequence and biophysical properties (such as structural, functional, and spatial information, amino acid conservation, physicochemical variation, residue mobility, and thermodynamic stability) indicates that this missense variant is expected to disrupt ANO5 protein function with a positive predictive value of 95%. In summary, the available evidence is currently insufficient to determine the role of this variant in disease. Therefore, it has been classified as a Variant of Uncertain Significance.

Women's Health and Genetics/Laboratory Corporation of America, LabCorp
Classification: Uncertain significance. Last evaluated: 2023-06-27. Review status: criteria provided, single submitter. Criteria: LabCorp Variant Classification Summary - May 2015. Collection method: clinical testing. Allele origin: germline.
Comment: Variant summary: ANO5 c.950C>A (p.Ala317Glu) results in a non-conservative amino acid change in the encoded protein sequence. Five of five in-silico tools predict a damaging effect of the variant on protein function. The variant allele was found at a frequency of 2.8e-05 in 250194 control chromosomes. The available data on variant occurrences in the general population are insufficient to allow any conclusion about variant significance. c.950C>A has been reported in the literature in individuals affected with Limb-Girdle Muscular Dystrophy, Autosomal Recessive (Oliveira_2020). To our knowledge, no experimental evidence demonstrating an impact on protein function has been reported. The following publication have been ascertained in the context of this evaluation (PMID: 32367299).One submitter has cited clinical-significance assessments for this variant to ClinVar after 2014 and has classified the variant as uncertain significance. Based on the evidence outlined above, the variant was classified as uncertain significance.

Literature cited by the submitters: PubMed 32367299 (cited by Labcorp Genetics (formerly Invitae), Labcorp and Women's Health and Genetics/Laboratory Corporation of America, LabCorp).